The following is an entry in ClinVar:

NM_001042492.3(NF1):c.1347del (p.Ala450fs)

Gene: NF1 (neurofibromin 1; plus strand). Cytogenetic location: 17q11.2.
Variant type: Deletion.
Coding change: c.1347del on transcript NM_001042492.3 (MANE Select); coding-DNA position 1347, one base deleted (A; older notation c.1347delA).
Protein change: p.Ala450fs; shifts the reading frame from alanine 450.
Molecular consequence: frameshift variant.
Genome position (GRCh38, 1-based): chr17:31,206,326, A deleted; the last of 3 consecutive A bases (chr17:31,206,324-31,206,326); deleting any one gives the same sequence. VCF-style (leftmost placement, unchanged base first): chr17-31206323-TA-T. GRCh37 (hg19) VCF-style: chr17-29533341-TA-T.
Other names: c.1347delA, p.Ala450Glnfs (NM_000267.4); c.1347del, p.Ala450fs (NM_001128147.3); short protein forms A450fs.
Identifiers: ClinVar variation 2854813 (VCV002854813.3), dbSNP rs2066621144, ClinGen allele CA2739267348.
Genomic context (GRCh38, chr17:31,206,323, plus strand): 5'-GATTGATGCTGTGTATTGTCACTCGGTTGAACTTCGAAATATGTTTGGTGAAACACTTCA[TA>T]AAGCAGTGCAAGGTTGTGGAGCACACCCAGCAATACGAATGGCACCGGTAAGATAAATCA-3'

ClinVar aggregate classification (germline): Pathogenic (1 of 4 stars; one submission).

Conditions:
Neurofibromatosis, type 1 (NF1). Also called: VON RECKLINGHAUSEN DISEASE; Neurofibromatosis, type I; Peripheral type neurofibromatosis; NEUROFIBROMATOSIS, TYPE I, SOMATIC. Identifiers: Orphanet 636, MedGen C0027831, MONDO:0018975, OMIM 162200. Disease mechanism: loss of function.

Submission:

Labcorp Genetics (formerly Invitae), Labcorp
Classification: Pathogenic for Neurofibromatosis, type 1. Last evaluated: 2023-04-10. Review status: criteria provided, single submitter. Criteria: Invitae Variant Classification Sherloc (09022015). Collection method: clinical testing. Allele origin: germline.
Comment: This sequence change creates a premature translational stop signal (p.Ala450Glnfs*23) in the NF1 gene. It is expected to result in an absent or disrupted protein product. Loss-of-function variants in NF1 are known to be pathogenic (PMID: 10712197, 23913538). For these reasons, this variant has been classified as Pathogenic. This variant has not been reported in the literature in individuals affected with NF1-related conditions. This variant is not present in population databases (gnomAD no frequency).

Literature cited by the submitters: PubMed 10712197; PubMed 23913538.